The following is an entry in ClinVar:

ClinVar aggregate classification (germline): Uncertain significance (1 of 4 stars; one submission).

Submission:

Labcorp Genetics (formerly Invitae), Labcorp
Classification: Uncertain significance. Last evaluated: 2025-02-16. Review status: criteria provided, single submitter. Criteria: Invitae Variant Classification Sherloc (09022015). Collection method: clinical testing. Allele origin: germline.
Comment: This sequence change replaces valine, which is neutral and non-polar, with methionine, which is neutral and non-polar, at codon 459 of the VCAN protein (p.Val459Met). This variant is not present in population databases (gnomAD no frequency). This variant has not been reported in the literature in individuals affected with VCAN-related conditions. An algorithm developed to predict the effect of missense changes on protein structure and function outputs the following: PolyPhen-2: "Benign". The methionine amino acid residue is found in multiple mammalian species, which suggests that this missense change does not adversely affect protein function. In summary, the available evidence is currently insufficient to determine the role of this variant in disease. Therefore, it has been classified as a Variant of Uncertain Significance.

NM_004385.5(VCAN):c.1375G>A (p.Val459Met)

Gene: VCAN (versican; plus strand). Cytogenetic location: 5q14.3.
Variant type: single nucleotide variant.
Coding change: c.1375G>A on transcript NM_004385.5 (MANE Select); coding-DNA position 1375, G replaced by A.
Protein change: p.Val459Met; replaces valine 459 with methionine.
Molecular consequence: missense variant. On other transcripts: intron variant (2).
Genome position (GRCh38, 1-based): chr5:83,519,681, G>A. VCF-style: chr5-83519681-G-A. GRCh37 (hg19) VCF-style: chr5-82815500-G-A.
Other names: c.1375G>A, p.Val459Met (NM_001164098.2); c.1042+7285G>A (NM_001164097.2, NM_001126336.3); short protein forms V459M.
Identifiers: ClinVar variation 4712770 (VCV004712770.1).